The following is an entry in ClinVar:

NM_004260.4(RECQL4):c.354+6G>A

Gene: RECQL4 (RecQ like helicase 4; minus strand). Cytogenetic location: 8q24.3.
Variant type: single nucleotide variant.
Coding change: c.354+6G>A on transcript NM_004260.4 (MANE Select); 6 bases into the intron after coding-DNA position 354, G replaced by A.
Molecular consequence: intron variant.
Genome position (GRCh38, 1-based): chr8:144,517,044, C>T on the plus strand (G>A on the coding strand, the complement: RECQL4 is on the minus strand). VCF-style: chr8-144517044-C-T. GRCh37 (hg19) VCF-style: chr8-145742428-C-T.
Other names: c.225+6G>A (NM_001413025.1); c.354+6G>A (NM_001413029.1, NM_001413017.1, NM_001413020.1 and 5 more transcripts); c.-677+6G>A (NM_001413032.1); c.-615+6G>A (NM_001413035.1, NM_001413024.1); c.-780+6G>A (NM_001413027.1, NM_001413031.1, NM_001413030.1 and 1 more transcripts); c.-718+6G>A (NM_001413040.1, NM_001413042.1, NM_001413037.1 and 3 more transcripts); c.-367+6G>A (NM_001413021.1); c.-443+6G>A (NM_001413028.1); and 2 more.
Identifiers: ClinVar variation 2905492 (VCV002905492.3), dbSNP rs756492273, ClinGen allele CA4949361.

ClinVar aggregate classification (germline): Uncertain significance (1 of 4 stars; one submission).

Conditions:
Baller-Gerold syndrome (BGS). Also called: CRANIOSYNOSTOSIS WITH RADIAL DEFECTS. Identifiers: Orphanet 1225, MedGen C0265308, MONDO:0009039, OMIM 218600.

Allele frequency attached by ClinVar (database versions not stated): gnomAD exomes below 0.00001; ExAC 0.00001.

Submission:

Labcorp Genetics (formerly Invitae), Labcorp
Classification: Uncertain significance for Baller-Gerold syndrome. Last evaluated: 2025-04-13. Review status: criteria provided, single submitter. Criteria: Invitae Variant Classification Sherloc (09022015). Collection method: clinical testing. Allele origin: germline.
Comment: This sequence change falls in intron 4 of the RECQL4 gene. It does not directly change the encoded amino acid sequence of the RECQL4 protein. It affects a nucleotide within the consensus splice site. This variant is present in population databases (rs756492273, gnomAD 0.01%). This variant has not been reported in the literature in individuals affected with RECQL4-related conditions. ClinVar contains an entry for this variant (Variation ID: 2905492). Variants that disrupt the consensus splice site are a relatively common cause of aberrant splicing (PMID: 17576681, 9536098). Algorithms developed to predict the effect of sequence changes on RNA splicing suggest that this variant is not likely to affect RNA splicing. In summary, the available evidence is currently insufficient to determine the role of this variant in disease. Therefore, it has been classified as a Variant of Uncertain Significance.

Literature cited by the submitters: PubMed 17576681; PubMed 9536098.